The following is an entry in ClinVar:

NM_015896.4(ZMYND10):c.485G>A (p.Gly162Glu)

Gene: ZMYND10 (zinc finger MYND-type containing 10; minus strand). Cytogenetic location: 3p21.31.
Variant type: single nucleotide variant.
Coding change: c.485G>A on transcript NM_015896.4 (MANE Select); coding-DNA position 485, G replaced by A.
Protein change: p.Gly162Glu; replaces glycine 162 with glutamic acid.
Molecular consequence: missense variant.
Genome position (GRCh38, 1-based): chr3:50,343,332, C>T on the plus strand (G>A on the coding strand, the complement: ZMYND10 is on the minus strand). VCF-style: chr3-50343332-C-T. GRCh37 (hg19) VCF-style: chr3-50380763-C-T.
Other names: c.485G>A, p.Gly162Glu (NM_001308379.2); short protein forms G162E.
Identifiers: ClinVar variation 639060 (VCV000639060.7), dbSNP rs141261384, ClinGen allele CA2417198.

ClinVar aggregate classification (germline): Conflicting classifications of pathogenicity. Review status: criteria provided, conflicting classifications (1 of 4 stars). 4 submissions from 4 submitters: Uncertain significance (3); Likely benign (1). Last evaluated 2025-02-24.

Conditions:
Primary ciliary dyskinesia 22. Also called: CILIARY DYSKINESIA, PRIMARY, 22, WITH OR WITHOUT SITUS INVERSUS. Identifiers: Orphanet 244, MedGen C3809543, MONDO:0014192, OMIM 615444.
Inborn genetic diseases. Identifiers: MedGen C0950123, MeSH D030342.
Primary ciliary dyskinesia. Also called: Ciliary dyskinesia. Identifiers: Orphanet 244, MedGen C0008780, MONDO:0016575, HP:0012265.

Allele frequency attached by ClinVar (database versions not stated): gnomAD 0.00006; gnomAD exomes 0.00007 and 0.00012; TOPMed 0.00008; ExAC 0.00011; ESP Exome Variant Server 0.00015.
gnomAD v4.1: 120 of 1,612,112 alleles (0.0074%); highest among the groups gnomAD compares: Middle Eastern, 0.082%; no homozygotes.

Submissions (4):

Revvity Omics, Revvity
Classification: Uncertain significance for Primary ciliary dyskinesia 22. Last evaluated: 2025-02-24. Review status: criteria provided, single submitter. Criteria: ACMG Guidelines, 2015. Collection method: clinical testing. Allele origin: germline.

Blueprint Genetics
Classification: Uncertain significance. Last evaluated: 2024-09-16. Review status: criteria provided, single submitter. Criteria: ACMG Guidelines, 2015. Collection method: clinical testing. Allele origin: germline.

Ambry Genetics
Classification: Likely benign for Inborn genetic diseases. Last evaluated: 2024-01-24. Review status: criteria provided, single submitter. Criteria: Ambry Variant Classification Scheme 2023. Collection method: clinical testing. Allele origin: germline.

Labcorp Genetics (formerly Invitae), Labcorp
Classification: Uncertain significance for Primary ciliary dyskinesia. Last evaluated: 2022-07-24. Review status: criteria provided, single submitter. Criteria: Invitae Variant Classification Sherloc (09022015). Collection method: clinical testing. Allele origin: germline.
Comment: This sequence change replaces glycine, which is neutral and non-polar, with glutamic acid, which is acidic and polar, at codon 162 of the ZMYND10 protein (p.Gly162Glu). This variant is present in population databases (rs141261384, gnomAD 0.02%). This variant has not been reported in the literature in individuals affected with ZMYND10-related conditions. ClinVar contains an entry for this variant (Variation ID: 639060). Algorithms developed to predict the effect of missense changes on protein structure and function output the following: SIFT: "Tolerated"; PolyPhen-2: "Benign"; Align-GVGD: "Class C0". The glutamic acid amino acid residue is found in multiple mammalian species, which suggests that this missense change does not adversely affect protein function. In summary, the available evidence is currently insufficient to determine the role of this variant in disease. Therefore, it has been classified as a Variant of Uncertain Significance.